The following is an entry in ClinVar:

ClinVar aggregate classification (germline): Pathogenic/Likely pathogenic. Review status: criteria provided, multiple submitters, no conflicts (2 of 4 stars). 8 submissions from 8 submitters: Pathogenic (5); Likely pathogenic (2). 1 of the submissions does not count toward it. Last evaluated 2025-09-09.

Conditions:
Wilson disease (WND). Also called: Wilson's disease. Identifiers: Orphanet 905, MedGen C0019202, MONDO:0010200, OMIM 277900. Disease mechanism: loss of function.

Submissions (8):

Color Diagnostics, LLC DBA Color Health
Classification: Pathogenic for Wilson disease. Last evaluated: 2025-09-09. Review status: criteria provided, single submitter. Criteria: ACMG Guidelines, 2015. Collection method: clinical testing. Allele origin: germline.
Comment: This c.1520_1523del variant deletes 4 nucleotides in exon 3 of the ATP7B gene, creating a frameshift and premature translation stop signal. This variant is also known as c.1518_1521del in the literature. This variant is expected to result in an absent or non-functional protein product. This variant has been observed in individuals affected with autosomal recessive Wilson disease (PMID: 10502777, 16283883, 23518715). This variant has been identified in 1/249080 chromosomes in the general population by the Genome Aggregation Database (gnomAD). Loss of ATP7B function is a known mechanism of disease. Based on the available evidence, this variant is classified as Pathogenic.

Labcorp Genetics (formerly Invitae), Labcorp
Classification: Pathogenic for Wilson disease. Last evaluated: 2024-11-25. Review status: criteria provided, single submitter. Criteria: Invitae Variant Classification Sherloc (09022015). Collection method: clinical testing. Allele origin: germline.
Comment: This sequence change creates a premature translational stop signal (p.Glu507Glyfs*16) in the ATP7B gene. It is expected to result in an absent or disrupted protein product. Loss-of-function variants in ATP7B are known to be pathogenic (PMID: 10441329, 16283883). This variant is present in population databases (rs772000260, gnomAD 0.002%). This premature translational stop signal has been observed in individual(s) with Wilson disease (PMID: 10502777, 16283883). This variant is also known as 1518delAGAA. ClinVar contains an entry for this variant (Variation ID: 992220). For these reasons, this variant has been classified as Pathogenic.

All of Us Research Program, National Institutes of Health
Classification: Pathogenic for Wilson disease. Last evaluated: 2024-10-02. Review status: criteria provided, single submitter. Criteria: ACMG Guidelines, 2015. Collection method: clinical testing. Allele origin: germline. Inheritance: Autosomal recessive inheritance. Observed: 4 variant alleles, 4 heterozygotes.
Comment: This c.1520_1523del variant deletes 4 nucleotides in exon 3 of the ATP7B gene, creating a frameshift and premature translation stop signal. This variant is also known as c.1518_1521del in the literature. This variant is expected to result in an absent or non-functional protein product. This variant has been observed in individuals affected with autosomal recessive Wilson disease (PMID: 10502777, 16283883, 23518715). This variant has been identified in 1/249080 chromosomes in the general population by the Genome Aggregation Database (gnomAD). Loss of ATP7B function is a known mechanism of disease. Based on the available evidence, this variant is classified as Pathogenic.

This study involves interpretation of variants in research participants for the purpose of population health screening. Participant phenotype was not available at the time of variant classification. Additional details can be found in publication PMID: 35346344, PMCID: PMC8962531

Fulgent Genetics
Classification: Likely pathogenic for Wilson disease. Last evaluated: 2024-06-14. Review status: criteria provided, single submitter. Criteria: ACMG Guidelines, 2015. Collection method: clinical testing. Allele origin: germline.

Baylor Genetics
Classification: Pathogenic for Wilson disease. Last evaluated: 2023-11-11. Review status: criteria provided, single submitter. Criteria: ACMG Guidelines, 2015. Collection method: clinical testing. Allele origin: unknown.

Women's Health and Genetics/Laboratory Corporation of America, LabCorp
Classification: Pathogenic for Wilson disease. Last evaluated: 2020-12-02. Review status: criteria provided, single submitter. Criteria: LabCorp Variant Classification Summary - May 2015. Collection method: clinical testing. Allele origin: germline.
Comment: Variant summary: ATP7B c.1520_1523delAAAG (p.Glu507GlyfsX16) results in a premature termination codon, predicted to cause a truncation of the encoded protein or absence of the protein due to nonsense mediated decay, which are commonly known mechanisms for disease. The variant allele was found at a frequency of 4e-06 in 249080 control chromosomes (gnomAD). c.1520_1523delAAAG has been reported in the literature in individuals (in both homozygous and compound heterozygous state) affected with Wilson Disease (example: Coffey_2013, Czlonkowska_2018, Dziezyc_2014). These data indicate that the variant is likely to be associated with disease. To our knowledge, no experimental evidence demonstrating an impact on protein function has been reported. No clinical diagnostic laboratories have submitted clinical-significance assessments for this variant to ClinVar after 2014. Based on the evidence outlined above, the variant was classified as pathogenic.

Laboratory for Molecular Medicine, Mass General Brigham Personalized Medicine
Classification: Likely pathogenic for Wilson disease. Last evaluated: 2020-06-11. Review status: criteria provided, single submitter. Criteria: ACMG Guidelines, 2015. Collection method: clinical testing. Allele origin: germline.
Comment: The p.Glu507GlyfsX16 variant in ATP7B has been reported in at least 1 individual with Wilson disease, but a second variant was not reported (Curtis 1999 PMID 10502777). This variant is has been identified in 0.0008% (1/112804) of European chromosomes by gnomAD. This variant is predicted to cause a frameshift, which alters the protein’s amino acid sequence beginning at position 507 and leads to a premature termination codon 16 amino acids downstream. This alteration is then predicted to lead to a truncated or absent protein. Loss of function of the ATP7B gene is an established disease mechanism in autosomal recessive Wilson disease. In summary, although additional studies are required to fully establish its clinical significance, this variant meets criteria to be classified as likely pathogenic for autosomal recessive Wilson disease. ACMG/AMP Criteria applied: PVS1, PM2.

Natera, Inc.
Classification: Pathogenic for Wilson disease. Last evaluated: 2020-05-25. Review status: no assertion criteria provided. Collection method: clinical testing. Allele origin: germline. Not counted in ClinVar's aggregate classification.

Literature cited by the submitters: PubMed 10502777 (cited by 4 submitters); PubMed 16283883 (cited by 3 submitters); PubMed 23518715 (cited by 3 submitters); PubMed 10441329 (cited by Labcorp Genetics (formerly Invitae), Labcorp); PubMed 29418065 (cited by Women's Health and Genetics/Laboratory Corporation of America, LabCorp); PubMed 25327413 (cited by Women's Health and Genetics/Laboratory Corporation of America, LabCorp).

NM_000053.4(ATP7B):c.1520_1523del (p.Glu507fs)

Gene: ATP7B (ATPase copper transporting beta; minus strand). Cytogenetic location: 13q14.3.
Variant type: Deletion.
Coding change: c.1520_1523del on transcript NM_000053.4 (MANE Select); coding-DNA positions 1520 to 1523, 4 bases deleted (AAAG; older notation c.1520_1523delAAAG).
Protein change: p.Glu507fs; shifts the reading frame from glutamic acid 507.
Molecular consequence: frameshift variant.
Genome position (GRCh38, 1-based): chr13:51,970,512-51,970,515, CTTT deleted on the plus strand (AAAG on the coding strand, the reverse complement: ATP7B is on the minus strand); deleting any 4 consecutive bases within chr13:51,970,512-51,970,517 gives the same sequence; the c. name uses the placement nearest the transcript's 3' end. VCF-style (leftmost placement, unchanged base first): chr13-51970511-CCTTT-C. GRCh37 (hg19) VCF-style: chr13-52544647-CCTTT-C.
Other names: c.1520_1523del, p.Glu507fs (NM_001005918.3, NM_001330578.2, NM_001330579.2); c.1187_1190del, p.Glu396fs (NM_001243182.2); short protein forms E396fs, E507fs.
Identifiers: ClinVar variation 992220 (VCV000992220.16), dbSNP rs772000260, ClinGen allele CA6989331.
Genomic context (GRCh38, chr13:51,970,511, plus strand): 5'-ACGCAGCATTCCTAAGTTCAACATGGGCGTTCATCTCTTACCAGCTTCTTTCTGCAGATT[CCTTT>C]CTATGTTAGACACACAGGATGCACAGGTCATGCCTTTGATCTGTAAGAAGCACTTCTGCG-3'